The following is an entry in ClinVar:

ClinVar aggregate classification (germline): Uncertain significance (1 of 4 stars; one submission).

Submission:

Labcorp Genetics (formerly Invitae), Labcorp
Classification: Uncertain significance. Last evaluated: 2025-07-09. Review status: criteria provided, single submitter. Criteria: Invitae Variant Classification Sherloc (09022015). Collection method: clinical testing. Allele origin: germline.
Comment: This variant, c.24_26dup, results in the insertion of 1 amino acid(s) of the RASA2 protein (p.Ala11dup), but otherwise preserves the integrity of the reading frame. The frequency data for this variant in the population databases is considered unreliable, as metrics indicate poor data quality at this position in the gnomAD database. This variant has not been reported in the literature in individuals affected with RASA2-related conditions. In summary, the available evidence is currently insufficient to determine the role of this variant in disease. Therefore, it has been classified as a Variant of Uncertain Significance.

NM_006506.5(RASA2):c.18TGC[4] (p.Ala11_Ser12insAla)

Genes: RASA2 (RAS p21 protein activator 2; plus strand), LOC129937686 (ATAC-STARR-seq lymphoblastoid silent region 14777; plus strand). Cytogenetic location: 3q23.
Variant type: Microsatellite.
Coding change: c.18TGC[4] on transcript NM_006506.5 (MANE Select); four copies in a row of the 3-base unit TGC starting at c.18; the reference has three copies in a row; one copy, 3 bases duplicated.
Protein change: p.Ala11_Ser12insAla.
Genome position (GRCh38, 1-based): chr3:141,487,107-141,487,109, TGC duplicated; duplicating any 3 consecutive bases within chr3:141,487,100-141,487,109 gives the same sequence; the position shown is the placement nearest the transcript's 3' end. VCF-style (leftmost placement, unchanged base first): chr3-141487099-C-CCTG. GRCh37 (hg19) VCF-style: chr3-141205941-C-CCTG.
Other names: c.18TGC[4], p.Ala11_Ser12insAla (NM_001303245.3, NM_001303246.3).
Identifiers: ClinVar variation 4772691 (VCV004772691.1).